The following is an entry in ClinVar:

ClinVar aggregate classification (germline): Likely pathogenic (1 of 4 stars; one submission).

Conditions:
Cardiovascular phenotype. Identifiers: MedGen CN230736.

Submission:

Molecular Diagnostic Laboratory for Inherited Cardiovascular Disease, Montreal Heart Institute
Classification: Likely pathogenic for Cardiovascular phenotype. Last evaluated: 2026-04-17. Review status: criteria provided, single submitter. Criteria: ACMG Guidelines, 2015. Collection method: clinical testing. Allele origin: germline. Affected: yes.
Comment: PVS1, PM2

NM_198060.4(NRAP):c.3987_3988dup (p.Arg1330fs)

Gene: NRAP (nebulin related anchoring protein; minus strand). Cytogenetic location: 10q25.3.
Variant type: Duplication.
Coding change: c.3987_3988dup on transcript NM_198060.4 (MANE Select); coding-DNA positions 3987 to 3988, 2 bases duplicated (CC; older notation c.3987_3988dupCC).
Protein change: p.Arg1330fs; shifts the reading frame from arginine 1330.
Molecular consequence: frameshift variant.
Genome position (GRCh38, 1-based): chr10:113,604,848-113,604,849, GG duplicated on the plus strand (CC on the coding strand, the reverse complement: NRAP is on the minus strand); duplicating any 2 consecutive bases within chr10:113,604,848-113,604,852 gives the same sequence; the c. name uses the placement nearest the transcript's 3' end. VCF-style (leftmost placement, unchanged base first): chr10-113604847-C-CGG. GRCh37 (hg19) VCF-style: chr10-115364606-C-CGG.
Other names: c.3987_3988dup, p.Arg1330fs (NM_001261463.2); c.3879_3880dup, p.Arg1294fs (NM_001322945.2); c.3882_3883dup, p.Arg1295fs (NM_006175.5); short protein forms R1294fs, R1295fs, R1330fs.
Identifiers: ClinVar variation 5037859 (VCV005037859.1).